The following is an entry in ClinVar:

NM_016151.4(TAOK2):c.1137_1145dup (p.Glu392_Gly393insGluGluGlu)

Gene: TAOK2 (TAO kinase 2; plus strand). Cytogenetic location: 16p11.2.
Variant type: Duplication.
Coding change: c.1137_1145dup on transcript NM_016151.4 (MANE Select); coding-DNA positions 1137 to 1145, 9 bases duplicated (AGAGGAGGA; older notation c.1137_1145dupAGAGGAGGA).
Protein change: p.Glu392_Gly393insGluGluGlu.
Molecular consequence: inframe insertion.
Genome position (GRCh38, 1-based): chr16:29,983,209-29,983,217, AGAGGAGGA duplicated; duplicating any 9 consecutive bases within chr16:29,983,204-29,983,217 gives the same sequence; the c. name uses the placement nearest the transcript's 3' end. VCF-style (leftmost placement, unchanged base first): chr16-29983203-C-CGAGGAAGAG. GRCh37 (hg19) VCF-style: chr16-29994524-C-CGAGGAAGAG.
Other names: c.1137_1145dup, p.Glu392_Gly393insGluGluGlu (NM_001252043.2, NM_004783.4).
Identifiers: ClinVar variation 1966874 (VCV001966874.5), dbSNP rs761217225, ClinGen allele CA7998048.

ClinVar aggregate classification (germline): Uncertain significance (1 of 4 stars; one submission).

Submission:

Labcorp Genetics (formerly Invitae), Labcorp
Classification: Uncertain significance. Last evaluated: 2024-08-20. Review status: criteria provided, single submitter. Criteria: Invitae Variant Classification Sherloc (09022015). Collection method: clinical testing. Allele origin: germline.
Comment: This variant, c.1137_1145dup, results in the insertion of 3 amino acid(s) of the TAOK2 protein (p.Glu390_Glu392dup), but otherwise preserves the integrity of the reading frame. The frequency data for this variant in the population databases is considered unreliable, as metrics indicate poor data quality at this position in the gnomAD database. This variant has not been reported in the literature in individuals affected with TAOK2-related conditions. ClinVar contains an entry for this variant (Variation ID: 1966874). In summary, the available evidence is currently insufficient to determine the role of this variant in disease. Therefore, it has been classified as a Variant of Uncertain Significance.